The following is an entry in ClinVar:

ClinVar aggregate classification (germline): Pathogenic (1 of 4 stars; one submission).

Conditions:
Pierson syndrome. Also called: MICROCORIA-CONGENITAL NEPHROTIC SYNDROME. Identifiers: Orphanet 2670, MedGen C1836876, MONDO:0012184, OMIM 609049.

Submission:

Victorian Clinical Genetics Services, Murdoch Childrens Research Institute
Classification: Pathogenic for Pierson syndrome. Last evaluated: 2021-05-06. Review status: criteria provided, single submitter. Criteria: ACMG Guidelines, 2015. Collection method: clinical testing. Allele origin: germline. Inheritance: Autosomal recessive inheritance. Affected: yes.
Comment: Based on the classification scheme VCGS_Germline_v1.3.4, this variant is classified as Pathogenic. Following criteria are met: 0102 - Loss of function is a known mechanism of disease in this gene and is associated with Pierson syndrome (MIM#609049). (I) 0106 - This gene is associated with autosomal recessive disease. (I) 0201 - Variant is predicted to cause nonsense-mediated decay (NMD) and loss of protein (premature termination codon is located at least 54 nucleotides upstream of the final exon-exon junction). (SP) 0252 - This variant is homozygous. (I) 0301 - Variant is absent from gnomAD (both v2 and v3). (SP) 0701 - Other NMD-predicted variants comparable to the one identified in this case have very strong previous evidence for pathogenicity. Variants predicted to result in NMD have been reported in multiple patients with Pierson syndrome (ClinVar, PMID:15367484). (SP) 0807 - This variant has no previous evidence of pathogenicity. (I) 0905 - No published segregation evidence has been identified for this variant. (I) 1007 - No published functional evidence has been identified for this variant. (I) Legend: (SP) - Supporting pathogenic, (I) - Information, (SB) - Supporting benign

Literature cited by the submitters: PubMed 15367484.

NM_002292.4(LAMB2):c.2494C>T (p.Gln832Ter)

Genes: LAMB2 (laminin subunit beta 2; minus strand), LOC129936738 (ATAC-STARR-seq lymphoblastoid active region 19855; plus strand). Cytogenetic location: 3p21.31.
Variant type: single nucleotide variant.
Coding change: c.2494C>T on transcript NM_002292.4 (MANE Select); coding-DNA position 2494, C replaced by T.
Protein change: p.Gln832Ter; replaces glutamine 832 with a stop codon.
Molecular consequence: nonsense.
Genome position (GRCh38, 1-based): chr3:49,125,479, G>A on the plus strand (C>T on the coding strand, the complement: LAMB2 is on the minus strand). VCF-style: chr3-49125479-G-A. GRCh37 (hg19) VCF-style: chr3-49162912-G-A.
Other names: short protein forms Q832*.
Identifiers: ClinVar variation 2500786 (VCV002500786.2), dbSNP rs2472542236, ClinGen allele CA352721030.
Genomic context (GRCh38, chr3:49,125,479, plus strand): 5'-AGAGACATTGCCCACTGGTCTTTTCACAGAGACTGCTGAGTGCCCCCTCGTGGCTGCACT[G>A]GCAGGCTAGGAGCAAGGCAGAGCTGAGCCAGAGCCAGGGGAGGGGGTCTGAGGGGAGTGT-3'